The following is an entry in ClinVar:

NM_018699.4(PRDM5):c.1188+309G>A

Gene: PRDM5 (PR/SET domain 5; minus strand). Cytogenetic location: 4q27.
Variant type: single nucleotide variant.
Coding change: c.1188+309G>A on transcript NM_018699.4 (MANE Select); 309 bases into the intron after coding-DNA position 1188, G replaced by A.
Molecular consequence: intron variant.
Genome position (GRCh38, 1-based): chr4:120,797,958, C>T on the plus strand (G>A on the coding strand, the complement: PRDM5 is on the minus strand). VCF-style: chr4-120797958-C-T. GRCh37 (hg19) VCF-style: chr4-121719113-C-T.
Other names: c.1095+309G>A (NM_001300824.2, NM_001379106.1, NM_001300823.2); c.1221+309G>A (NM_001379104.1).
Identifiers: ClinVar variation 683709 (VCV000683709.1), dbSNP rs1567552, ClinGen allele CA16199098.

ClinVar aggregate classification (germline): Benign (1 of 4 stars; one submission).

Allele frequency attached by ClinVar (database versions not stated): 1000 Genomes Project 30x 0.85228; 1000 Genomes Project 0.85423; TOPMed 0.86854; gnomAD 0.86901 and 0.86927.
gnomAD v4.1: 132,110 of 152,158 alleles (87%); highest among the groups gnomAD compares: East Asian, 92%; 57,461 homozygotes.

Submission:

GeneDx
Classification: Benign. Last evaluated: 2018-06-18. Review status: criteria provided, single submitter. Criteria: GeneDx Variant Classification (06012015). Collection method: clinical testing. Allele origin: germline. Affected: yes.
Comment: This variant is considered likely benign or benign based on one or more of the following criteria: it is a conservative change, it occurs at a poorly conserved position in the protein, it is predicted to be benign by multiple in silico algorithms, and/or has population frequency not consistent with disease.